The following is an entry in ClinVar:

NM_000257.4(MYH7):c.4937T>C (p.Leu1646Pro)

Genes: MYH7 (myosin heavy chain 7; minus strand), MHRT (myosin heavy chain associated RNA transcript; plus strand), LOC126861897 (BRD4-independent group 4 enhancer GRCh37_chr14:23884455-23885654; plus strand). Cytogenetic location: 14q11.2.
Variant type: single nucleotide variant.
Coding change: c.4937T>C on transcript NM_000257.4 (MANE Select); coding-DNA position 4937, T replaced by C.
Protein change: p.Leu1646Pro; replaces leucine 1646 with proline.
Molecular consequence: missense variant. On other transcripts: non-coding transcript variant (1).
Genome position (GRCh38, 1-based): chr14:23,416,020, A>G on the plus strand (T>C on the coding strand, the complement: MYH7 is on the minus strand). VCF-style: chr14-23416020-A-G. GRCh37 (hg19) VCF-style: chr14-23885229-A-G.
Other names: c.4937T>C, p.Leu1646Pro (LRG_384t1); short protein forms L1646P.
Identifiers: ClinVar variation 143214 (VCV000143214.13), dbSNP rs587779393, ClinGen allele CA015466.

ClinVar aggregate classification (germline): Pathogenic. Review status: criteria provided, multiple submitters, no conflicts (2 of 4 stars). 3 submissions from 3 submitters: Pathogenic (2). 1 of the submissions does not count toward it. Last evaluated 2025-08-18.

Conditions:
Myosin storage myopathy (CMYO7A). Also called: Scapuloperoneal myopathy, MYH7-related; MYOPATHY, HYALINE BODY, AUTOSOMAL DOMINANT; MYOPATHY WITH LYSIS OF TYPE I MYOFIBRILS; SCAPULOPERONEAL MUSCULAR DYSTROPHY; SCAPULOPERONEAL SYNDROME, MYOPATHIC TYPE; MYH7-related late-onset scapuloperoneal muscular dystrophy. Identifiers: Orphanet 437572, Orphanet 636965, MedGen C1842160, MONDO:0008409, OMIM 608358.
MYH7-related skeletal myopathy. Also called: MYOPATHY, DISTAL, EARLY-ONSET, AUTOSOMAL DOMINANT; MYOPATHY, LATE DISTAL HEREDITARY; Myopathy, distal, 1; Laing distal myopathy; Laing early-onset distal myopathy. Identifiers: Orphanet 59135, MedGen C4552004, MONDO:0008050, OMIM 160500.
Hypertrophic cardiomyopathy. Also called: HYPERTROPHIC MYOCARDIOPATHY. Identifiers: Orphanet 217569, MedGen C0007194, MeSH D002312, MONDO:0005045, HP:0001639.

Submissions (3):

Labcorp Genetics (formerly Invitae), Labcorp
Classification: Pathogenic for Hypertrophic cardiomyopathy. Last evaluated: 2025-08-18. Review status: criteria provided, single submitter. Criteria: Invitae Variant Classification Sherloc (09022015). Collection method: clinical testing. Allele origin: germline.
Comment: This sequence change replaces leucine, which is neutral and non-polar, with proline, which is neutral and non-polar, at codon 1646 of the MYH7 protein (p.Leu1646Pro). This variant is not present in population databases (gnomAD no frequency). This missense change has been observed in individuals with clinical features of autosomal dominant distal myopathy (PMID: 24664454; internal data). ClinVar contains an entry for this variant (Variation ID: 143214). Invitae Evidence Modeling of protein sequence and biophysical properties (such as structural, functional, and spatial information, amino acid conservation, physicochemical variation, residue mobility, and thermodynamic stability) indicates that this missense variant is expected to disrupt MYH7 protein function with a positive predictive value of 95%. For these reasons, this variant has been classified as Pathogenic.

Laboratory of Medical Genetics, National & Kapodistrian University of Athens
Classification: Pathogenic for Myosin storage myopathy. Last evaluated: 2021-10-25. Review status: criteria provided, single submitter. Criteria: ACMG Guidelines, 2015. Collection method: clinical testing. Allele origin: de novo. Affected: yes.
Comment: PS2, PM2, PP2, PP3, PP5

Neurogenetics Laboratory, Royal Perth Hospital
Classification: Pathogenic for Myopathy, distal, 1. Last evaluated: 2013-01-01. Review status: no assertion criteria provided. Collection method: clinical testing. Allele origin: germline. Inheritance: Autosomal dominant inheritance. Affected: yes. Observed: 6 variant alleles. Not counted in ClinVar's aggregate classification.

Literature cited by the submitters: PubMed 24664454 (cited by Labcorp Genetics (formerly Invitae), Labcorp and Neurogenetics Laboratory, Royal Perth Hospital).